The following is an entry in ClinVar:

NM_003242.6(TGFBR2):c.392A>G (p.Glu131Gly)

Gene: TGFBR2 (transforming growth factor beta receptor 2; plus strand). Cytogenetic location: 3p24.1.
Variant type: single nucleotide variant.
Coding change: c.392A>G on transcript NM_003242.6 (MANE Select); coding-DNA position 392, A replaced by G.
Protein change: p.Glu131Gly; replaces glutamic acid 131 with glycine.
Molecular consequence: missense variant. On other transcripts: intron variant (2).
Genome position (GRCh38, 1-based): chr3:30,650,398, A>G. VCF-style: chr3-30650398-A-G. GRCh37 (hg19) VCF-style: chr3-30691890-A-G.
Other names: c.467A>G, p.Glu156Gly (NM_001024847.3, NM_001407126.1, NM_001407139.1); c.392A>G, p.Glu131Gly (NM_001407127.1, NM_001407130.1); c.419A>G, p.Glu140Gly (NM_001407128.1); c.287A>G, p.Glu96Gly (NM_001407129.1, NM_001407132.1, NM_001407133.1 and 3 more transcripts); c.170-21240A>G (NM_001407137.1); c.95-21240A>G (NM_001407138.1); short protein forms E140G, E131G, E156G, E96G.
Identifiers: ClinVar variation 3325721 (VCV003325721.1).
Genomic context (GRCh38, chr3:30,650,398, plus strand): 5'-TTATTCTGGAAGATGCTGCTTCTCCAAAGTGCATTATGAAGGAAAAAAAAAAGCCTGGTG[A>G]GACTTTCTTCATGTGTTCCTGTAGCTCTGATGAGTGCAATGACAACATCATCTTCTCAGA-3'
Protein context (NP_003233.4, residues 121-141): CIMKEKKKPG[Glu131Gly]TFFMCSCSSD

ClinVar aggregate classification (germline): Uncertain significance (1 of 4 stars; one submission).

Conditions:
Familial thoracic aortic aneurysm and aortic dissection (TAAD). Also called: Thoracic aortic aneurysms and dissections. Identifiers: Orphanet 91387, MedGen C4707243, MONDO:0019625.

gnomAD v4.1: 1 of 1,613,456 alleles (0.000062%); highest among the groups gnomAD compares: Non-Finnish European, 0.000085%; no homozygotes.

Submission:

Ambry Genetics
Classification: Uncertain significance for Familial thoracic aortic aneurysm and aortic dissection. Last evaluated: 2024-05-02. Review status: criteria provided, single submitter. Criteria: Ambry Variant Classification Scheme 2023. Collection method: clinical testing. Allele origin: germline.
Comment: The p.E131G variant (also known as c.392A>G), located in coding exon 3 of the TGFBR2 gene, results from an A to G substitution at nucleotide position 392. The glutamic acid at codon 131 is replaced by glycine, an amino acid with similar properties. This amino acid position is conserved. In addition, this alteration is predicted to be tolerated by in silico analysis. Based on the available evidence, the clinical significance of this variant remains unclear.